The following is an entry in ClinVar:

ClinVar aggregate classification (germline): Uncertain significance (1 of 4 stars; one submission).

Conditions:
Inborn genetic diseases. Identifiers: MedGen C0950123, MeSH D030342.

gnomAD v4.1: 1 of 1,613,042 alleles (0.000062%); highest among the groups gnomAD compares: East Asian, 0.0022%; no homozygotes.

Submission:

Ambry Genetics
Classification: Uncertain significance for Inborn genetic diseases. Last evaluated: 2025-08-14. Review status: criteria provided, single submitter. Criteria: Ambry Variant Classification Scheme 2023. Collection method: clinical testing. Allele origin: germline.
Comment: The p.E841A variant (also known as c.2522A>C), located in coding exon 9 of the MECOM gene, results from an A to C substitution at nucleotide position 2522. The glutamic acid at codon 841 is replaced by alanine, an amino acid with dissimilar properties. This amino acid position is conserved. In addition, this alteration is predicted to be tolerated by in silico analysis. Based on the available evidence, the clinical significance of this variant remains unclear.

NM_004991.4(MECOM):c.2522A>C (p.Glu841Ala)

Gene: MECOM (MDS1 and EVI1 complex locus; minus strand). Cytogenetic location: 3q26.2.
Variant type: single nucleotide variant.
Coding change: c.2522A>C on transcript NM_004991.4 (MANE Select); coding-DNA position 2522, A replaced by C.
Protein change: p.Glu841Ala; replaces glutamic acid 841 with alanine.
Molecular consequence: missense variant.
Genome position (GRCh38, 1-based): chr3:169,112,842, T>G on the plus strand (A>C on the coding strand, the complement: MECOM is on the minus strand). VCF-style: chr3-169112842-T-G. GRCh37 (hg19) VCF-style: chr3-168830630-T-G.
Other names: c.2153A>C, p.Glu718Ala (NM_001105077.4); c.1958A>C, p.Glu653Ala (NM_001105078.4, NM_001164000.2, NM_001205194.2 and 4 more transcripts); c.1961A>C, p.Glu654Ala (NM_001163999.2, NM_001366467.2, NM_001366468.2 and 1 more transcripts); c.2522A>C, p.Glu841Ala (NM_001366466.2); c.1550A>C, p.Glu517Ala (NM_001366473.2); c.986A>C, p.Glu329Ala (NM_001366474.2); short protein forms E329A, E653A, E517A, E718A, E841A, E654A.
Identifiers: ClinVar variation 4105847 (VCV004105847.1).